The following is an entry in ClinVar:

ClinVar aggregate classification (germline): Likely pathogenic. Review status: criteria provided, multiple submitters, no conflicts (2 of 4 stars). 2 submissions from 2 submitters: Likely pathogenic (2). Last evaluated 2023-10-04.

Conditions:
Hereditary spherocytosis type 2. Also called: SPHEROCYTOSIS, TYPE 2, AUTOSOMAL DOMINANT. Identifiers: Orphanet 822, MedGen C2674219, MONDO:0000913, OMIM 616649.

Submissions (2):

Revvity Omics, Revvity
Classification: Likely pathogenic. Last evaluated: 2023-10-04. Review status: criteria provided, single submitter. Criteria: ACMG Guidelines, 2015. Collection method: clinical testing. Allele origin: germline.

Laboratory of Medical Genetics, National & Kapodistrian University of Athens
Classification: Likely pathogenic for Hereditary spherocytosis type 2. Last evaluated: 2023-06-30. Review status: criteria provided, single submitter. Criteria: ACMG Guidelines, 2015. Collection method: clinical testing. Allele origin: germline. Affected: yes.
Comment: PVS1, PM2

NM_001355436.2(SPTB):c.5953C>T (p.Gln1985Ter)

Gene: SPTB (spectrin beta, erythrocytic; minus strand). Cytogenetic location: 14q23.3.
Variant type: single nucleotide variant.
Coding change: c.5953C>T on transcript NM_001355436.2 (MANE Select); coding-DNA position 5953, C replaced by T.
Protein change: p.Gln1985Ter; replaces glutamine 1985 with a stop codon.
Molecular consequence: nonsense.
Genome position (GRCh38, 1-based): chr14:64,769,103, G>A on the plus strand (C>T on the coding strand, the complement: SPTB is on the minus strand). VCF-style: chr14-64769103-G-A. GRCh37 (hg19) VCF-style: chr14-65235821-G-A.
Other names: c.5953C>T, p.Gln1985Ter (NM_001024858.4, NM_001355437.2); short protein forms Q1985*.
Identifiers: ClinVar variation 2572616 (VCV002572616.2), dbSNP rs2503038679, ClinGen allele CA390039767.